The following is an entry in ClinVar:

ClinVar aggregate classification (germline): Uncertain significance (1 of 4 stars; one submission).

Conditions:
Developmental and epileptic encephalopathy, 2 (DEE2). Also called: INFANTILE SPASM SYNDROME, X-LINKED 2; CDKL5 deficiency disorder. Identifiers: Orphanet 1934, Orphanet 3451, Orphanet 505652, MedGen C4750718, MONDO:0010396, OMIM 300672.
Angelman syndrome-like. Identifiers: MedGen CN128785.

Submission:

Labcorp Genetics (formerly Invitae), Labcorp
Classification: Uncertain significance for Developmental and epileptic encephalopathy, 2; Angelman syndrome-like. Last evaluated: 2019-12-11. Review status: criteria provided, single submitter. Criteria: Invitae Variant Classification Sherloc (09022015). Collection method: clinical testing. Allele origin: germline.
Comment: This variant is a gross deletion of the genomic region encompassing exons 21 of the CDKL5 gene. The 5' boundary is likely confined to intron 21. The 3' end of this event is unknown as it extends through the termination codon beyond the assayed region for this gene and may encompass additional genes. While this deletion is not anticipated to result in nonsense mediated decay, it is expected to create a truncated protein product or disrupt mRNA translation. A similar copy number variant has been observed in individual(s) with epilepsy and/or neurodevelopmental delay (PMID: 29655203). In summary, the available evidence is currently insufficient to determine the role of this variant in disease. Therefore, it has been classified as a Variant of Uncertain Significance.

Literature cited by the submitters: PubMed 29655203.

NC_000023.11:g.(?_18653412)_(18653564_?)del

Genes: CDKL5 (cyclin dependent kinase like 5; plus strand), RS1 (retinoschisin 1; minus strand). Cytogenetic location: Xp22.13.
Variant type: Deletion.
Identifiers: ClinVar variation 830639 (VCV000830639.1).